The following is an entry in ClinVar:

ClinVar aggregate classification (germline): Uncertain significance (1 of 4 stars; one submission).

Conditions:
Autosomal recessive limb-girdle muscular dystrophy type 2W (MDRCMTT). Also called: Muscular dystrophy, limb-girdle, type 2W; Muscular dystrophy, autosomal recessive, with cardiomyopathy and triangular tongue. Identifiers: MedGen C4225192, MONDO:0014788, OMIM 616827.

Allele frequency attached by ClinVar (database versions not stated): gnomAD 0.00001; TOPMed 0.00001; gnomAD exomes 0.00002 and 0.00003; ExAC 0.00006.

Submission:

Labcorp Genetics (formerly Invitae), Labcorp
Classification: Uncertain significance for Autosomal recessive limb-girdle muscular dystrophy type 2W. Last evaluated: 2024-02-14. Review status: criteria provided, single submitter. Criteria: Invitae Variant Classification Sherloc (09022015). Collection method: clinical testing. Allele origin: germline.
Comment: This sequence change replaces arginine, which is basic and polar, with cysteine, which is neutral and slightly polar, at codon 43 of the LIMS2 protein (p.Arg43Cys). This variant is present in population databases (rs745803442, gnomAD 0.02%). This variant has not been reported in the literature in individuals affected with LIMS2-related conditions. ClinVar contains an entry for this variant (Variation ID: 1036588). An algorithm developed to predict the effect of missense changes on protein structure and function (PolyPhen-2) suggests that this variant is likely to be disruptive. In summary, the available evidence is currently insufficient to determine the role of this variant in disease. Therefore, it has been classified as a Variant of Uncertain Significance.

NM_001161403.3(LIMS2):c.61C>T (p.Arg21Cys)

Gene: LIMS2 (LIM zinc finger domain containing 2; minus strand). Cytogenetic location: 2q14.3.
Variant type: single nucleotide variant.
Coding change: c.61C>T on transcript NM_001161403.3 (MANE Select); coding-DNA position 61, C replaced by T.
Protein change: p.Arg21Cys; replaces arginine 21 with cysteine.
Molecular consequence: missense variant.
Genome position (GRCh38, 1-based): chr2:127,657,513, G>A on the plus strand (C>T on the coding strand, the complement: LIMS2 is on the minus strand). VCF-style: chr2-127657513-G-A. GRCh37 (hg19) VCF-style: chr2-128415087-G-A.
Other names: c.127C>T, p.Arg43Cys (NM_001136037.4); c.46C>T, p.Arg16Cys (NM_001161404.2); c.133C>T, p.Arg45Cys (NM_017980.5); short protein forms R45C, R21C, R43C, R16C.
Identifiers: ClinVar variation 1036588 (VCV001036588.9), dbSNP rs745803442, ClinGen allele CA1863588.